The following is an entry in ClinVar:

NM_024675.4(PALB2):c.2175A>T (p.Ser725=)

Gene: PALB2 (partner and localizer of BRCA2; minus strand). Cytogenetic location: 16p12.2.
Variant type: single nucleotide variant.
Coding change: c.2175A>T on transcript NM_024675.4 (MANE Select); coding-DNA position 2175, A replaced by T.
Protein change: p.Ser725=; no amino-acid change (serine 725 retained).
Molecular consequence: synonymous variant. On other transcripts: intron variant (1).
Genome position (GRCh38, 1-based): chr16:23,629,979, T>A on the plus strand (A>T on the coding strand, the complement: PALB2 is on the minus strand). VCF-style: chr16-23629979-T-A. GRCh37 (hg19) VCF-style: chr16-23641300-T-A.
Other names: c.2115A>T, p.Ser705= (NM_001407296.1); c.2175A>T, p.Ser725= (NM_001407297.1, NM_001407298.1, NM_001407299.1 and 3 more transcripts); c.1290A>T, p.Ser430= (NM_001407304.1, NM_001407305.1, NM_001407306.1 and 5 more transcripts); c.387A>T, p.Ser129= (NM_001407312.1, NM_001407313.1); c.49-704A>T (NM_001407314.1).
Identifiers: ClinVar variation 2696602 (VCV002696602.4), dbSNP rs2142379081, ClinGen allele CA494461128.

ClinVar aggregate classification (germline): Conflicting classifications of pathogenicity. Review status: criteria provided, conflicting classifications (1 of 4 stars). 2 submissions from 2 submitters: Uncertain significance (1); Likely benign (1). Last evaluated 2024-09-02.

Conditions:
Hereditary cancer-predisposing syndrome. Also called: Neoplastic Syndromes, Hereditary; Tumor predisposition; Hereditary neoplastic syndrome; Hereditary Cancer Syndrome. Identifiers: Orphanet 140162, MedGen C0027672, MeSH D009386, MONDO:0015356.
Familial cancer of breast. Also called: hereditary breast carcinoma; Hereditary breast cancer; BREAST CANCER, FAMILIAL. Identifiers: Orphanet 227535, MedGen C0346153, MONDO:0016419, OMIM 114480. Disease mechanism: loss of function.

Submissions (2):

Labcorp Genetics (formerly Invitae), Labcorp
Classification: Likely benign for Familial cancer of breast. Last evaluated: 2024-09-02. Review status: criteria provided, single submitter. Criteria: Invitae Variant Classification Sherloc (09022015). Collection method: clinical testing. Allele origin: germline.

Ambry Genetics
Classification: Uncertain significance for Hereditary cancer-predisposing syndrome. Last evaluated: 2023-10-19. Review status: criteria provided, single submitter. Criteria: Ambry Variant Classification Scheme 2023. Collection method: clinical testing. Allele origin: germline.
Comment: The c.2175A>T variant (also known as p.S725S), located in coding exon 5 of the PALB2 gene, results from an A to T substitution at nucleotide position 2175. This nucleotide substitution does not change the codon at 725. This nucleotide position is not well conserved in available vertebrate species. In silico splice site analysis for this alteration is inconclusive and direct evidence is insufficient at this time (Ambry internal data). Since supporting evidence is limited at this time, the clinical significance of this alteration remains unclear.